The following is an entry in ClinVar:

NM_000038.6(APC):c.7268A>T (p.Lys2423Ile)

Gene: APC (APC regulator of Wnt signaling pathway; plus strand). Cytogenetic location: 5q22.2.
Variant type: single nucleotide variant.
Coding change: c.7268A>T on transcript NM_000038.6 (MANE Select); coding-DNA position 7268, A replaced by T.
Protein change: p.Lys2423Ile; replaces lysine 2423 with isoleucine.
Molecular consequence: missense variant. On other transcripts: non-coding transcript variant (2).
Genome position (GRCh38, 1-based): chr5:112,842,862, A>T. VCF-style: chr5-112842862-A-T. GRCh37 (hg19) VCF-style: chr5-112178559-A-T.
Other names: c.7268A>T, p.Lys2423Ile (NM_001127510.3, NM_001354895.2, NM_001407450.1); c.7214A>T, p.Lys2405Ile (NM_001127511.3); c.7322A>T, p.Lys2441Ile (NM_001354896.2, NM_001407447.1, NM_001407448.1 and 1 more transcripts); c.7298A>T, p.Lys2433Ile (NM_001354897.2); c.7193A>T, p.Lys2398Ile (NM_001354898.2); c.7184A>T, p.Lys2395Ile (NM_001354899.2); c.7145A>T, p.Lys2382Ile (NM_001354900.2); c.7091A>T, p.Lys2364Ile (NM_001354901.2, NM_001407453.1); and 11 more; short protein forms K2039I, K2140I, K2263I, K2294I, K2297I, K2322I, K2332I, K2340I.
Identifiers: ClinVar variation 4801518 (VCV004801518.1).

ClinVar aggregate classification (germline): Uncertain significance (1 of 4 stars; one submission).

Conditions:
Familial adenomatous polyposis 1 (FAP1). Also called: FAMILIAL ADENOMATOUS POLYPOSIS 1, ATTENUATED; POLYPOSIS, ADENOMATOUS INTESTINAL. Identifiers: MedGen C2713442, MONDO:0021056, OMIM 175100. Disease mechanism: loss of function.

Submission:

Labcorp Genetics (formerly Invitae), Labcorp
Classification: Uncertain significance for Familial adenomatous polyposis 1. Last evaluated: 2025-10-09. Review status: criteria provided, single submitter. Criteria: Invitae Variant Classification Sherloc (09022015). Collection method: clinical testing. Allele origin: germline.
Comment: This sequence change replaces lysine, which is basic and polar, with isoleucine, which is neutral and non-polar, at codon 2423 of the APC protein (p.Lys2423Ile). This variant is not present in population databases (gnomAD no frequency). This variant has not been reported in the literature in individuals affected with APC-related conditions. Invitae Evidence Modeling of protein sequence and biophysical properties (such as structural, functional, and spatial information, amino acid conservation, physicochemical variation, residue mobility, and thermodynamic stability) indicates that this missense variant is not expected to disrupt APC protein function with a negative predictive value of 95%. In summary, the available evidence is currently insufficient to determine the role of this variant in disease. Therefore, it has been classified as a Variant of Uncertain Significance.